The following is an entry in ClinVar:

NM_015354.3(NUP188):c.5109C>T (p.Arg1703=)

Gene: NUP188 (nucleoporin 188; plus strand). Cytogenetic location: 9q34.11.
Variant type: single nucleotide variant.
Coding change: c.5109C>T on transcript NM_015354.3 (MANE Select); coding-DNA position 5109, C replaced by T.
Protein change: p.Arg1703=; no amino-acid change (arginine 1703 retained).
Molecular consequence: synonymous variant.
Genome position (GRCh38, 1-based): chr9:129,006,537, C>T. VCF-style: chr9-129006537-C-T. GRCh37 (hg19) VCF-style: chr9-131768816-C-T.
Identifiers: ClinVar variation 3067513 (VCV003067513.21), dbSNP rs200814577, ClinGen allele CA200451977.
Genomic context (GRCh38, chr9:129,006,537, plus strand): 5'-CACCAAGCCACTTTTTTTCTTGTAGAGCACGCTGCTGTCCAGCCTCTCGCGCTACTTCCG[C>T]CGGGGAGCCCCCAGCTCCCCTGCCACTGGTGTCCTCCCCTCGCCGCAGGGCAAGTCCACC-3'
Protein context (NP_056169.1, residues 1693-1713): TLLSSLSRYF[Arg1703=]RGAPSSPATG

ClinVar aggregate classification (germline): Likely benign (1 of 4 stars; one submission).

Allele frequency attached by ClinVar (database versions not stated): gnomAD 0.00001; TOPMed 0.00002; gnomAD exomes below 0.00001.
gnomAD v4.1: 3 of 1,613,832 alleles (0.00019%); highest among the groups gnomAD compares: Non-Finnish European, 0.00025%; no homozygotes.

Submission:

CeGaT Center for Human Genetics Tuebingen
Classification: Likely benign. Last evaluated: 2024-03-01. Review status: criteria provided, single submitter. Criteria: CeGaT Center For Human Genetics Tuebingen Variant Classification Criteria Version 2. Collection method: clinical testing. Allele origin: germline. Affected: yes. Observed: 1 variant allele.
Comment: NUP188: BP4, BP7